The following is an entry in ClinVar:

ClinVar aggregate classification (germline): Uncertain significance. Review status: criteria provided, single submitter (1 of 4 stars). 2 submissions from 2 submitters: Uncertain significance (1). 1 of the submissions does not count toward it. Last evaluated 2025-08-23.

Conditions:
CRYBA2-related disorder. Also called: CRYBA2-related condition.

Submissions (2):

Ambry Genetics
Classification: Uncertain significance. Last evaluated: 2025-08-23. Review status: criteria provided, single submitter. Criteria: Ambry Variant Classification Scheme 2023. Collection method: clinical testing. Allele origin: germline.

PreventionGenetics, part of Exact Sciences
Classification: Uncertain significance for CRYBA2-related condition. Last evaluated: 2024-09-20. Review status: no assertion criteria provided. Collection method: clinical testing. Allele origin: germline. Not counted in ClinVar's aggregate classification.
Comment: The CRYBA2 c.319C>T variant is predicted to result in the amino acid substitution p.Arg107Cys. To our knowledge, this variant has not been reported in the literature. This variant is reported in 0.0026% of alleles in individuals of European (Non-Finnish) descent in gnomAD. At this time, the clinical significance of this variant is uncertain due to the absence of conclusive functional and genetic evidence.

NM_057093.2(CRYBA2):c.319C>T (p.Arg107Cys)

Gene: CRYBA2 (crystallin beta A2; minus strand). Cytogenetic location: 2q35.
Variant type: single nucleotide variant.
Coding change: c.319C>T on transcript NM_057093.2 (MANE Select); coding-DNA position 319, C replaced by T.
Protein change: p.Arg107Cys; replaces arginine 107 with cysteine.
Molecular consequence: missense variant.
Genome position (GRCh38, 1-based): chr2:218,990,979, G>A on the plus strand (C>T on the coding strand, the complement: CRYBA2 is on the minus strand). VCF-style: chr2-218990979-G-A. GRCh37 (hg19) VCF-style: chr2-219855701-G-A.
Other names: c.319C>T, p.Arg107Cys (NM_057094.2); short protein forms R107C.
Identifiers: ClinVar variation 3358691 (VCV003358691.2).
Genomic context (GRCh38, chr2:218,990,979, plus strand): 5'-AGTCATCAACGAGGTCAAACTTGCAGCCTTGGAAGTTGTCCCCCTCAAACAGTGTCACAC[G>A]GCTGTCATTGTGGTTCTGAGGCACAGCAAGATCAGGACAGAAAGATCAGGGCTTCCAAAG-3'
Protein context (NP_476434.1, residues 97-117): PVLCANHNDS[Arg107Cys]VTLFEGDNFQ